The following is an entry in ClinVar:

ClinVar aggregate classification (germline): Uncertain significance (1 of 4 stars; one submission).

Conditions:
Inborn genetic diseases. Identifiers: MedGen C0950123, MeSH D030342.

Submission:

Ambry Genetics
Classification: Uncertain significance for Inborn genetic diseases. Last evaluated: 2023-11-16. Review status: criteria provided, single submitter. Criteria: Ambry Variant Classification Scheme 2023. Collection method: clinical testing. Allele origin: germline.
Comment: The p.E390K variant (also known as c.1168G>A), located in coding exon 4 of the ATR gene, results from a G to A substitution at nucleotide position 1168. The glutamic acid at codon 390 is replaced by lysine, an amino acid with similar properties. This amino acid position is conserved. In addition, this alteration is predicted to be tolerated by in silico analysis. Since supporting evidence is limited at this time, the clinical significance of this alteration remains unclear.

NM_001184.4(ATR):c.1168G>A (p.Glu390Lys)

Gene: ATR (ATR checkpoint kinase; minus strand). Cytogenetic location: 3q23.
Variant type: single nucleotide variant.
Coding change: c.1168G>A on transcript NM_001184.4 (MANE Select); coding-DNA position 1168, G replaced by A.
Protein change: p.Glu390Lys; replaces glutamic acid 390 with lysine.
Molecular consequence: missense variant.
Genome position (GRCh38, 1-based): chr3:142,562,234, C>T on the plus strand (G>A on the coding strand, the complement: ATR is on the minus strand). VCF-style: chr3-142562234-C-T. GRCh37 (hg19) VCF-style: chr3-142281076-C-T.
Other names: c.1168G>A, p.Glu390Lys (NM_001354579.2); short protein forms E390K.
Identifiers: ClinVar variation 3221037 (VCV003221037.1), dbSNP rs2473424892, ClinGen allele CA354823523.